The following is an entry in ClinVar:

NM_003072.5(SMARCA4):c.1026G>C (p.Met342Ile)

Gene: SMARCA4 (SWI/SNF related BAF chromatin remodeling complex subunit ATPase 4; plus strand). Cytogenetic location: 19p13.2.
Variant type: single nucleotide variant.
Coding change: c.1026G>C on transcript NM_003072.5 (MANE Select); coding-DNA position 1026, G replaced by C.
Protein change: p.Met342Ile; replaces methionine 342 with isoleucine.
Molecular consequence: missense variant. On other transcripts: non-coding transcript variant (1).
Genome position (GRCh38, 1-based): chr19:10,987,832, G>C. VCF-style: chr19-10987832-G-C. GRCh37 (hg19) VCF-style: chr19-11098508-G-C.
Other names: c.1026G>C, p.Met342Ile (NM_001128844.3, NM_001128845.2, NM_001128846.2 and 6 more transcripts); short protein forms M342I.
Identifiers: ClinVar variation 1769696 (VCV001769696.2), dbSNP rs2145819825, ClinGen allele CA404058658.

ClinVar aggregate classification (germline): Uncertain significance (1 of 4 stars; one submission).

Conditions:
Hereditary cancer-predisposing syndrome. Also called: Hereditary Cancer Syndrome; Hereditary neoplastic syndrome; Neoplastic Syndromes, Hereditary; Tumor predisposition. Identifiers: Orphanet 140162, MedGen C0027672, MeSH D009386, MONDO:0015356.

Submission:

Ambry Genetics
Classification: Uncertain significance for Hereditary cancer-predisposing syndrome. Last evaluated: 2017-11-17. Review status: criteria provided, single submitter. Criteria: Ambry Variant Classification Scheme 2023. Collection method: clinical testing. Allele origin: germline.
Comment: The p.M342I variant (also known as c.1026G>C), located in coding exon 5 of the SMARCA4 gene, results from a G to C substitution at nucleotide position 1026. The methionine at codon 342 is replaced by isoleucine, an amino acid with highly similar properties. This amino acid position is well conserved in available vertebrate species. In addition, this alteration is predicted to be tolerated by in silico analysis. Since supporting evidence is limited at this time, the clinical significance of this alteration remains unclear.